The following is an entry in ClinVar:

ClinVar aggregate classification (germline): Uncertain significance (1 of 4 stars; one submission).

Conditions:
Bartsocas-Papas syndrome 1. Also called: PTERYGIUM, POPLITEAL, LETHAL TYPE; MULTIPLE PTERYGIUM SYNDROME, ASLAN TYPE; Bartsocas-Papas syndrome. Identifiers: Orphanet 1234, MedGen C1849718, MONDO:0009901, OMIM 263650.

Submission:

Diagnostics Services (NGS), CSIR - Centre For Cellular And Molecular Biology
Classification: Uncertain significance for Bartsocas-Papas syndrome 1. Last evaluated: 2025-10-08. Review status: criteria provided, single submitter. Criteria: ACMG Guidelines, 2015. Collection method: clinical testing. Allele origin: germline. Affected: yes. Observed: 1 variant allele, 1 homozygote.
Comment: The c.1924C>T variant is not present in publicly available population databases like 1000 Genomes, EVS, gnomAD, Indian Exome Database or our in-house exome database. This variant has neither been published in literature in individuals affected with RIPK4-related conditions nor reported to the clinical databases like Human Genome Mutation Database (HGMD), ClinVar or OMIM, in any affected individuals. In-silico pathogenicity prediction programs like Polyphen-2, MutationTaster2, CADD, etc predicted this variant to be likely deleterious however these predictions were not confirmed by published functional studies.

NM_020639.3(RIPK4):c.1924C>T (p.His642Tyr)

Gene: RIPK4 (receptor interacting serine/threonine kinase 4; minus strand). Cytogenetic location: 21q22.3.
Variant type: single nucleotide variant.
Coding change: c.1924C>T on transcript NM_020639.3 (MANE Select); coding-DNA position 1924, C replaced by T.
Protein change: p.His642Tyr; replaces histidine 642 with tyrosine.
Molecular consequence: missense variant.
Genome position (GRCh38, 1-based): chr21:41,741,269, G>A on the plus strand (C>T on the coding strand, the complement: RIPK4 is on the minus strand). VCF-style: chr21-41741269-G-A. GRCh37 (hg19) VCF-style: chr21-43161429-G-A.
Other names: short protein forms H642Y.
Identifiers: ClinVar variation 4279633 (VCV004279633.1).